The following is an entry in ClinVar:

NM_058216.3(RAD51C):c.965+1G>A

Gene: RAD51C (RAD51 paralog C; plus strand). Cytogenetic location: 17q22.
Variant type: single nucleotide variant.
Coding change: c.965+1G>A on transcript NM_058216.3 (MANE Select); the canonical splice donor site of the intron after coding-DNA position 965, G replaced by A.
Molecular consequence: splice donor variant.
Genome position (GRCh38, 1-based): chr17:58,724,101, G>A. VCF-style: chr17-58724101-G-A. GRCh37 (hg19) VCF-style: chr17-56801462-G-A.
Identifiers: ClinVar variation 182838 (VCV000182838.18), dbSNP rs730881933, ClinGen allele CA299893.

ClinVar aggregate classification (germline): Pathogenic/Likely pathogenic. Review status: criteria provided, multiple submitters, no conflicts (2 of 4 stars). 7 submissions from 7 submitters: Pathogenic (1); Likely pathogenic (6). Last evaluated 2025-06-16.

Conditions:
Breast-ovarian cancer, familial, susceptibility to, 3. Also called: RAD51C-Related Breast/Ovarian Cancer. Identifiers: Orphanet 145, MedGen C3150659, MONDO:0013253, OMIM 613399.
Familial ovarian cancer. Identifiers: MedGen C5679802, MONDO:0016248.
Hereditary cancer-predisposing syndrome. Also called: Tumor predisposition; Hereditary Cancer Syndrome; Hereditary neoplastic syndrome; Neoplastic Syndromes, Hereditary. Identifiers: Orphanet 140162, MedGen C0027672, MeSH D009386, MONDO:0015356.
Fanconi anemia complementation group O. Also called: RAD51C-Related Fanconi Anemia. Identifiers: Orphanet 84, MedGen C3150653, MONDO:0013248, OMIM 613390.

Allele frequency attached by ClinVar (database versions not stated): gnomAD exomes below 0.00001.
gnomAD v4.1: 1 of 1,609,744 alleles (0.000062%); highest among the groups gnomAD compares: Non-Finnish European, 0.000085%; no homozygotes.

Submissions (7):

Ambry Genetics
Classification: Likely pathogenic for Hereditary cancer-predisposing syndrome. Last evaluated: 2025-06-16. Review status: criteria provided, single submitter. Criteria: Ambry Variant Classification Scheme 2023. Collection method: clinical testing. Allele origin: germline.
Comment: The c.965+1G>A intronic variant results from a G to A substitution one nucleotide after coding exon 7 of the RAD51C gene. This alteration was identified in 1/10030 consecutive patients referred for evaluation by an NGS hereditary cancer panel. (Susswein LR et al. Genet Med, 2016 08;18:823-32). This nucleotide position is highly conserved in available vertebrate species. In silico splice site analysis predicts that this alteration will weaken the native splice donor site. RNA studies have demonstrated that this alteration results in abnormal splicing in the set of samples tested (Ambry internal data). Alterations that disrupt the canonical splice site are expected to cause aberrant splicing, resulting in an abnormal protein or a transcript that is subject to nonsense-mediated mRNA decay. As such, this alteration is classified as likely pathogenic.

Molecular Pathology, Peter Maccallum Cancer Centre
Classification: Likely pathogenic for Familial ovarian cancer. Last evaluated: 2024-12-12. Review status: criteria provided, single submitter. Criteria: ACMG Guidelines, 2015. Collection method: clinical testing. Allele origin: germline. Inheritance: Autosomal dominant inheritance.

Labcorp Genetics (formerly Invitae), Labcorp
Classification: Pathogenic for Fanconi anemia complementation group O. Last evaluated: 2024-11-19. Review status: criteria provided, single submitter. Criteria: Invitae Variant Classification Sherloc (09022015). Collection method: clinical testing. Allele origin: germline.
Comment: This sequence change affects a donor splice site in intron 7 of the RAD51C gene. RNA analysis indicates that disruption of this splice site induces altered splicing and may result in an absent or altered protein product. This variant is not present in population databases (gnomAD no frequency). Disruption of this splice site has been observed in individual(s) with breast cancer (PMID: 26681312). ClinVar contains an entry for this variant (Variation ID: 182838). Studies have shown that disruption of this splice site alters mRNA splicing and is expected to lead to the loss of protein expression (PMID: 35740625; internal data). For these reasons, this variant has been classified as Pathogenic.

Myriad Genetics, Inc.
Classification: Likely pathogenic for Breast-ovarian cancer, familial, susceptibility to, 3. Last evaluated: 2024-01-03. Review status: criteria provided, single submitter. Criteria: Myriad Autosomal Dominant, Autosomal Recessive and X-Linked Classification Criteria (2023). Collection method: clinical testing. Allele origin: unknown.
Comment: This variant is considered likely pathogenic. This variant occurs within a consensus splice junction and is predicted to result in abnormal mRNA splicing of either an out-of-frame exon or an in-frame exon necessary for protein stability and/or normal function.

Color Diagnostics, LLC DBA Color Health
Classification: Likely pathogenic for Hereditary cancer-predisposing syndrome. Last evaluated: 2021-07-06. Review status: criteria provided, single submitter. Criteria: ACMG Guidelines, 2015. Collection method: clinical testing. Allele origin: germline.
Comment: This variant causes a G to A nucleotide substitution at the +1 position of intron 7 of the RAD51C gene. Splice site prediction tools predict that this variant may have a significant impact on RNA splicing. Although this prediction has not been confirmed in published RNA studies, this variant is expected to result in an absent or disrupted protein product. This variant has been reported in an individual affected with breast cancer (PMID: 26681312). This variant has not been identified in the general population by the Genome Aggregation Database (gnomAD). Loss of RAD51C function is a known mechanism of disease. Based on the available evidence, this variant is classified as Likely Pathogenic.

Baylor Genetics
Classification: Likely pathogenic for Breast-ovarian cancer, familial, susceptibility to, 3. Last evaluated: 2021-01-06. Review status: criteria provided, single submitter. Criteria: ACMG Guidelines, 2015. Collection method: clinical testing. Allele origin: unknown.

GeneDx
Classification: Likely pathogenic. Last evaluated: 2017-09-06. Review status: criteria provided, single submitter. Criteria: GeneDx Variant Classification (06012015). Collection method: clinical testing. Allele origin: germline. Affected: yes.
Comment: This variant is denoted RAD51C c.965+1G>A or IVS7+1G>A and consists of a G>A nucleotide substitution at the +1 position of intron 7 of the RAD51C gene. The variant destroys a canonical splice donor site and is predicted to cause abnormal gene splicing, leading to either an abnormal message that is subject to nonsense-mediated mRNA decay or to an abnormal protein product. This variant has been observed in an individual with breast cancer (Susswein 2016). Based on the current evidence, we consider RAD51C c.965+1G>A to be likely pathogenic.

Literature cited by the submitters: PubMed 26681312 (cited by Ambry Genetics and Labcorp Genetics (formerly Invitae), Labcorp); PubMed 35740625 (cited by Labcorp Genetics (formerly Invitae), Labcorp).